The following is an entry in ClinVar:

NM_006073.4(TRDN):c.1420+93A>G

Gene: TRDN (triadin; minus strand). Cytogenetic location: 6q22.31.
Variant type: single nucleotide variant.
Coding change: c.1420+93A>G on transcript NM_006073.4 (MANE Select); 93 bases into the intron after coding-DNA position 1420, A replaced by G.
Molecular consequence: intron variant.
Genome position (GRCh38, 1-based): chr6:123,337,526, T>C on the plus strand (A>G on the coding strand, the complement: TRDN is on the minus strand). VCF-style: chr6-123337526-T-C. GRCh37 (hg19) VCF-style: chr6-123658671-T-C.
Identifiers: ClinVar variation 674819 (VCV000674819.1), dbSNP rs1157133, ClinGen allele CA147247725.

ClinVar aggregate classification (germline): Benign (1 of 4 stars; one submission).

Allele frequency attached by ClinVar (database versions not stated): 1000 Genomes Project 0.22284; 1000 Genomes Project 30x 0.22658; gnomAD 0.26492 and 0.26232; gnomAD exomes 0.29620; TOPMed 0.24939.
gnomAD v4.1: 139,363 of 487,910 alleles (29%); highest among the groups gnomAD compares: South Asian, 31%; 21,240 homozygotes.

Submission:

GeneDx
Classification: Benign. Last evaluated: 2018-06-14. Review status: criteria provided, single submitter. Criteria: GeneDx Variant Classification (06012015). Collection method: clinical testing. Allele origin: germline. Affected: yes.
Comment: This variant is considered likely benign or benign based on one or more of the following criteria: it is a conservative change, it occurs at a poorly conserved position in the protein, it is predicted to be benign by multiple in silico algorithms, and/or has population frequency not consistent with disease.